The following is an entry in ClinVar:

NM_000092.5(COL4A4):c.2192dup (p.Gly733fs)

Gene: COL4A4 (collagen type IV alpha 4 chain; minus strand). Cytogenetic location: 2q36.3.
Variant type: Duplication.
Coding change: c.2192dup on transcript NM_000092.5 (MANE Select); coding-DNA position 2192, one base duplicated (G; older notation c.2192dupG).
Protein change: p.Gly733fs; shifts the reading frame from glycine 733.
Molecular consequence: frameshift variant.
Genome position (GRCh38, 1-based): chr2:227,059,596, C duplicated on the plus strand (G on the coding strand, the reverse complement: COL4A4 is on the minus strand); the first of 3 consecutive C bases (chr2:227,059,596-227,059,598); duplicating any one gives the same sequence. VCF-style (leftmost placement, unchanged base first): chr2-227059595-A-AC. GRCh37 (hg19) VCF-style: chr2-227924311-A-AC.
Other names: short protein forms G733fs.
Identifiers: ClinVar variation 5011777 (VCV005011777.1).

ClinVar aggregate classification (germline): Pathogenic (1 of 4 stars; one submission).

Conditions:
Alport syndrome. Also called: Hemorrhagic familial nephritis; Hemorrhagic hereditary nephritis; Congenital hereditary hematuria. Identifiers: Orphanet 63, MedGen C1567741, MONDO:0018965.

Submission:

Myriad Genetics, Inc.
Classification: Pathogenic for Alport syndrome. Last evaluated: 2023-09-27. Review status: criteria provided, single submitter. Criteria: Myriad Autosomal Dominant, Autosomal Recessive and X-Linked Classification Criteria (2023). Collection method: clinical testing. Allele origin: unknown.
Comment: NM_000092.4(COL4A4):c.2192dupG(G733Wfs*3) is expected to be pathogenic in the context of Alport syndrome, COL4A4-related. This variant is predicted to lead to an abnormal or absent protein product due to the creation of a premature termination codon in COL4A4, a gene where loss-of-function variants are known to be pathogenic. Please note: this variant was assessed in the context of healthy population screening.